The following is an entry in ClinVar:

NM_016169.4(SUFU):c.1253C>T (p.Ala418Val)

Gene: SUFU (SUFU negative regulator of hedgehog signaling; plus strand). Cytogenetic location: 10q24.32.
Variant type: single nucleotide variant.
Coding change: c.1253C>T on transcript NM_016169.4 (MANE Select); coding-DNA position 1253, C replaced by T.
Protein change: p.Ala418Val; replaces alanine 418 with valine.
Molecular consequence: missense variant.
Genome position (GRCh38, 1-based): chr10:102,617,385, C>T. VCF-style: chr10-102617385-C-T. GRCh37 (hg19) VCF-style: chr10-104377142-C-T.
Other names: c.1253C>T, p.Ala418Val (NM_001178133.2); short protein forms A418V.
Identifiers: ClinVar variation 3802907 (VCV003802907.1).
Genomic context (GRCh38, chr10:102,617,385, plus strand): 5'-AAAGTATCACAGGTGACATGGCCATCACGTTTGTCTCCACGGGAGTGGAAGGCGCCTTTG[C>T]CACTGAGGAGCATCCTTACGCGGCTCATGGACCCTGGTTACAAGTGAGAAGGCCCTTTTT-3'
Protein context (NP_057253.2, residues 408-428): FVSTGVEGAF[Ala418Val]TEEHPYAAHG

ClinVar aggregate classification (germline): Uncertain significance (1 of 4 stars; one submission).

Conditions:
Hereditary cancer-predisposing syndrome. Also called: Neoplastic Syndromes, Hereditary; Hereditary Cancer Syndrome; Tumor predisposition; Hereditary neoplastic syndrome. Identifiers: Orphanet 140162, MedGen C0027672, MeSH D009386, MONDO:0015356.

Submission:

Ambry Genetics
Classification: Uncertain significance for Hereditary cancer-predisposing syndrome. Last evaluated: 2025-02-20. Review status: criteria provided, single submitter. Criteria: Ambry Variant Classification Scheme 2023. Collection method: clinical testing. Allele origin: germline.
Comment: The p.A418V variant (also known as c.1253C>T), located in coding exon 10 of the SUFU gene, results from a C to T substitution at nucleotide position 1253. The alanine at codon 418 is replaced by valine, an amino acid with similar properties. This amino acid position is conserved. In addition, the in silico prediction for this alteration is inconclusive. Based on the available evidence, the clinical significance of this variant remains unclear.